The following is an entry in ClinVar:

ClinVar aggregate classification (germline): Uncertain significance (1 of 4 stars; one submission).

Submission:

Ambry Genetics
Classification: Uncertain significance. Last evaluated: 2025-05-24. Review status: criteria provided, single submitter. Criteria: Ambry Variant Classification Scheme 2023. Collection method: clinical testing. Allele origin: germline.
Comment: The p.E80A variant (also known as c.239A>C), located in coding exon 1 of the GALNT12 gene, results from an A to C substitution at nucleotide position 239. The glutamic acid at codon 80 is replaced by alanine, an amino acid with dissimilar properties. This amino acid position is conserved. In addition, this alteration is predicted to be tolerated by in silico analysis. Based on the available evidence, the clinical significance of this variant remains unclear.

NM_024642.5(GALNT12):c.239A>C (p.Glu80Ala)

Gene: GALNT12 (polypeptide N-acetylgalactosaminyltransferase 12; plus strand). Cytogenetic location: 9q22.33.
Variant type: single nucleotide variant.
Coding change: c.239A>C on transcript NM_024642.5 (MANE Select); coding-DNA position 239, A replaced by C.
Protein change: p.Glu80Ala; replaces glutamic acid 80 with alanine.
Molecular consequence: missense variant.
Genome position (GRCh38, 1-based): chr9:98,807,937, A>C. VCF-style: chr9-98807937-A-C. GRCh37 (hg19) VCF-style: chr9-101570219-A-C.
Other names: short protein forms E80A.
Identifiers: ClinVar variation 4027988 (VCV004027988.1).